The following is an entry in ClinVar:

ClinVar aggregate classification (germline): Likely pathogenic (1 of 4 stars; one submission).

Conditions:
Intellectual developmental disorder, X-linked, syndromic, Turner type. Also called: X-linked intellectual disability, Turner type; Intellectual disability, X-linked syndromic, Turner type. Identifiers: Orphanet 3056, Orphanet 85328, MedGen C2678046, MONDO:0010407, OMIM 309590.

Submission:

Women's Health and Genetics/Laboratory Corporation of America, LabCorp
Classification: Likely pathogenic for Intellectual developmental disorder, X-linked, syndromic, Turner type. Last evaluated: 2026-04-16. Review status: criteria provided, single submitter. Criteria: LabCorp Variant Classification Summary - May 2015. Collection method: clinical testing. Allele origin: germline.
Comment: Variant summary: The variant involves the duplication of exons 1-84 in the HUWE1 gene. A presumed nomenclature of c.(?_-394)_(*1214_?)dup has been designated for the purposes of this classification. This duplication includes the entire coding sequence of the gene. As exact breakpoints are unknown, it may extend beyond the annotated region of the gene, to include other flanking genes. The variant was absent in 16120 control chromosomes. These data indicate that the variant may be associated with disease. To our knowledge, no experimental evidence demonstrating an impact on protein function has been reported. The following publications have been ascertained in the context of this evaluation (PMID: 22840365, 26587761). ClinVar contains an entry for this variant (Variation ID: 564846). Other duplications including HUWE1 and additional genes have been reported in patients with syndromic intellectual disability (HGMD database). Based on the evidence outlined above, the variant was classified as likely pathogenic.

Literature cited by the submitters: PubMed 22840365; PubMed 26587761.

NC_000023.10:g.(?_53559056)_(53713665_?)dup

Genes: HUWE1 (HECT, UBA and WWE domain containing E3 ubiquitin protein ligase 1; minus strand), MIR98 (microRNA 98; minus strand), MIRLET7F2 (microRNA let-7f-2; minus strand). Cytogenetic location: Xp11.22.
Variant type: Duplication.
Identifiers: ClinVar variation 4848478 (VCV004848478.1).